The following is an entry in ClinVar:

ClinVar aggregate classification (germline): Uncertain significance. Review status: criteria provided, multiple submitters, no conflicts (2 of 4 stars). 2 submissions from 2 submitters: Uncertain significance (2). Last evaluated 2026-06-01.

Submissions (2):

CeGaT Center for Human Genetics Tuebingen
Classification: Uncertain significance. Last evaluated: 2026-06-01. Review status: criteria provided, single submitter. Criteria: CeGaT Center For Human Genetics Tuebingen Variant Classification Criteria Version 2. Collection method: clinical testing. Allele origin: germline. Affected: yes. Observed: 1 variant allele.
Comment: SRCAP: PM2, BP4

Labcorp Genetics (formerly Invitae), Labcorp
Classification: Uncertain significance. Last evaluated: 2024-06-12. Review status: criteria provided, single submitter. Criteria: Invitae Variant Classification Sherloc (09022015). Collection method: clinical testing. Allele origin: germline.
Comment: This sequence change replaces serine, which is neutral and polar, with phenylalanine, which is neutral and non-polar, at codon 348 of the SRCAP protein (p.Ser348Phe). This variant is not present in population databases (gnomAD no frequency). This variant has not been reported in the literature in individuals affected with SRCAP-related conditions. Advanced modeling of protein sequence and biophysical properties (such as structural, functional, and spatial information, amino acid conservation, physicochemical variation, residue mobility, and thermodynamic stability) performed at Invitae indicates that this missense variant is not expected to disrupt SRCAP protein function with a negative predictive value of 80%. In summary, the available evidence is currently insufficient to determine the role of this variant in disease. Therefore, it has been classified as a Variant of Uncertain Significance.

NM_006662.3(SRCAP):c.1043C>T (p.Ser348Phe)

Gene: SRCAP (Snf2 related CREBBP activator protein; plus strand). Cytogenetic location: 16p11.2.
Variant type: single nucleotide variant.
Coding change: c.1043C>T on transcript NM_006662.3 (MANE Select); coding-DNA position 1043, C replaced by T.
Protein change: p.Ser348Phe; replaces serine 348 with phenylalanine.
Molecular consequence: missense variant.
Genome position (GRCh38, 1-based): chr16:30,710,037, C>T. VCF-style: chr16-30710037-C-T. GRCh37 (hg19) VCF-style: chr16-30721358-C-T.
Other names: short protein forms S348F.
Identifiers: ClinVar variation 3730113 (VCV003730113.4).